The following is an entry in ClinVar:

ClinVar aggregate classification (germline): Uncertain significance. Review status: criteria provided, multiple submitters, no conflicts (2 of 4 stars). 2 submissions from 2 submitters: Uncertain significance (2). Last evaluated 2025-08-23.

Allele frequency attached by ClinVar (database versions not stated): TOPMed 0.00001; gnomAD 0.00003; gnomAD exomes 0.00005.

Submissions (2):

Ambry Genetics
Classification: Uncertain significance. Last evaluated: 2025-08-23. Review status: criteria provided, single submitter. Criteria: Ambry Variant Classification Scheme 2023. Collection method: clinical testing. Allele origin: germline.

Labcorp Genetics (formerly Invitae), Labcorp
Classification: Uncertain significance. Last evaluated: 2023-05-20. Review status: criteria provided, single submitter. Criteria: Invitae Variant Classification Sherloc (09022015). Collection method: clinical testing. Allele origin: germline.
Comment: This variant is present in population databases (no rsID available, gnomAD 0.003%). In summary, the available evidence is currently insufficient to determine the role of this variant in disease. Therefore, it has been classified as a Variant of Uncertain Significance. Experimental studies and prediction algorithms are not available or were not evaluated, and the functional significance of this variant is currently unknown. This variant has not been reported in the literature in individuals affected with POLD2-related conditions. This sequence change replaces proline, which is neutral and non-polar, with serine, which is neutral and polar, at codon 73 of the POLD2 protein (p.Pro73Ser).

NM_006230.4(POLD2):c.112C>T (p.Pro38Ser)

Gene: POLD2 (DNA polymerase delta 2, accessory subunit; minus strand). Cytogenetic location: 7p13.
Variant type: single nucleotide variant.
Coding change: c.112C>T on transcript NM_006230.4 (MANE Select); coding-DNA position 112, C replaced by T.
Protein change: p.Pro38Ser; replaces proline 38 with serine.
Molecular consequence: missense variant.
Genome position (GRCh38, 1-based): chr7:44,121,942, G>A on the plus strand (C>T on the coding strand, the complement: POLD2 is on the minus strand). VCF-style: chr7-44121942-G-A. GRCh37 (hg19) VCF-style: chr7-44161541-G-A.
Other names: c.112C>T, p.Pro38Ser (NM_001127218.3, NM_001256879.2); c.112C>T (NM_001127218.1); short protein forms P38S.
Identifiers: ClinVar variation 2725611 (VCV002725611.4), dbSNP rs1394143783, ClinGen allele CA367387682.